The following is an entry in ClinVar:

ClinVar aggregate classification (germline): Likely benign. Review status: criteria provided, multiple submitters, no conflicts (2 of 4 stars). 2 submissions from 2 submitters: Likely benign (2). Last evaluated 2025-06-06.

Conditions:
Tuberous sclerosis 2 (TSC2). Identifiers: Orphanet 805, MedGen C1860707, MONDO:0013199, OMIM 613254.

Submissions (2):

Myriad Genetics, Inc.
Classification: Likely benign for Tuberous sclerosis 2. Last evaluated: 2025-06-06. Review status: criteria provided, single submitter. Criteria: Myriad Autosomal Dominant, Autosomal Recessive and X-Linked Classification Criteria (2023). Collection method: clinical testing. Allele origin: unknown.
Comment: This variant is considered likely benign. This variant is intronic and is not expected to impact mRNA splicing.

Labcorp Genetics (formerly Invitae), Labcorp
Classification: Likely benign for Tuberous sclerosis 2. Last evaluated: 2024-04-10. Review status: criteria provided, single submitter. Criteria: Invitae Variant Classification Sherloc (09022015). Collection method: clinical testing. Allele origin: germline.

NM_000548.5(TSC2):c.5161-14G>T

Gene: TSC2 (TSC complex subunit 2; plus strand). Cytogenetic location: 16p13.3.
Variant type: single nucleotide variant.
Coding change: c.5161-14G>T on transcript NM_000548.5 (MANE Select); 14 bases into the intron before coding-DNA position 5161, G replaced by T.
Molecular consequence: intron variant.
Genome position (GRCh38, 1-based): chr16:2,088,213, G>T. VCF-style: chr16-2088213-G-T. GRCh37 (hg19) VCF-style: chr16-2138214-G-T.
Other names: c.5092-14G>T (NM_001114382.3); c.5032-14G>T (NM_021055.3); c.5032-26G>T (NM_001370405.1); c.4963-14G>T (NM_001363528.2); c.5029-14G>T (NM_001370404.1); c.4960-14G>T (NM_001077183.3); c.4852-14G>T (NM_001318827.2); c.4429-14G>T (NM_001318831.2); and 2 more.
Identifiers: ClinVar variation 1579539 (VCV001579539.9), dbSNP rs2151626974, ClinGen allele CA2573151977.
Genomic context (GRCh38, chr16:2,088,213, plus strand): 5'-GGTCCAGGCGTGAGCTGGTGGGACAGGCCCAGGTGCCACCTGATAGTGAGCTCACCCCCT[G>T]CCTACGTCCCCAGATGGCCTCACAGGTGCATCATAGCCGCTCCAACCCCACCGATATCTA-3'